The following is an entry in ClinVar:

ClinVar aggregate classification (germline): Likely benign. Review status: criteria provided, multiple submitters, no conflicts (2 of 4 stars). 2 submissions from 2 submitters: Likely benign (2). Last evaluated 2025-10-01.

Conditions:
KBG syndrome (KBGS). Also called: ANKRD11-Related KBG Syndrome. Identifiers: Orphanet 2332, MedGen C0220687, MONDO:0007846, OMIM 148050.

gnomAD v4.1: 6 of 1,435,870 alleles (0.00042%); highest among the groups gnomAD compares: South Asian, 0.0012%; no homozygotes.

Submissions (2):

CeGaT Center for Human Genetics Tuebingen
Classification: Likely benign. Last evaluated: 2025-10-01. Review status: criteria provided, single submitter. Criteria: CeGaT Center For Human Genetics Tuebingen Variant Classification Criteria Version 2. Collection method: clinical testing. Allele origin: germline. Affected: yes. Observed: 1 variant allele.
Comment: ANKRD11: BP4, BP7

Labcorp Genetics (formerly Invitae), Labcorp
Classification: Likely benign for KBG syndrome. Last evaluated: 2025-08-04. Review status: criteria provided, single submitter. Criteria: Invitae Variant Classification Sherloc (09022015). Collection method: clinical testing. Allele origin: germline.

NM_013275.6(ANKRD11):c.7950C>T (p.Pro2650=)

Gene: ANKRD11 (ankyrin repeat domain 11; minus strand). Cytogenetic location: 16q24.3.
Variant type: single nucleotide variant.
Coding change: c.7950C>T on transcript NM_013275.6 (MANE Select); coding-DNA position 7950, C replaced by T.
Protein change: p.Pro2650=; no amino-acid change (proline 2650 retained).
Molecular consequence: synonymous variant.
Genome position (GRCh38, 1-based): chr16:89,268,520, G>A on the plus strand (C>T on the coding strand, the complement: ANKRD11 is on the minus strand). VCF-style: chr16-89268520-G-A. GRCh37 (hg19) VCF-style: chr16-89334928-G-A.
Other names: c.7950C>T, p.Pro2650= (NM_001256182.2, NM_001256183.2).
Identifiers: ClinVar variation 4534373 (VCV004534373.7).